The following is an entry in ClinVar:

NM_000393.5(COL5A2):c.2839C>A (p.Pro947Thr)

Gene: COL5A2 (collagen type V alpha 2 chain; minus strand). Cytogenetic location: 2q32.2.
Variant type: single nucleotide variant.
Coding change: c.2839C>A on transcript NM_000393.5 (MANE Select); coding-DNA position 2839, C replaced by A.
Protein change: p.Pro947Thr; replaces proline 947 with threonine.
Molecular consequence: missense variant.
Genome position (GRCh38, 1-based): chr2:189,051,412, G>T on the plus strand (C>A on the coding strand, the complement: COL5A2 is on the minus strand). VCF-style: chr2-189051412-G-T. GRCh37 (hg19) VCF-style: chr2-189916138-G-T.
Other names: p.Pro947Thr; short protein forms P947T.
Identifiers: ClinVar variation 393071 (VCV000393071.14), dbSNP rs1027615025, ClinGen allele CA16603979.

ClinVar aggregate classification (germline): Uncertain significance. Review status: criteria provided, multiple submitters, no conflicts (2 of 4 stars). 4 submissions from 4 submitters: Uncertain significance (4). Last evaluated 2025-12-03.

Conditions:
Ehlers-Danlos syndrome, classic type, 1 (EDSCL1). Also called: EHLERS-DANLOS SYNDROME, GRAVIS TYPE; EHLERS-DANLOS SYNDROME, SEVERE CLASSIC TYPE; Ehlers-Danlos Syndrome, Classic Type, COL5A1-Related; EDS I; Ehlers-Danlos syndrome, type 1. Identifiers: MedGen C0268335, MONDO:0019567, OMIM 130000.
Familial thoracic aortic aneurysm and aortic dissection (TAAD). Also called: Thoracic aortic aneurysms and dissections. Identifiers: Orphanet 91387, MedGen C4707243, MONDO:0019625.

Allele frequency attached by ClinVar (database versions not stated): gnomAD 0.00001; TOPMed 0.00001; gnomAD exomes below 0.00001.
gnomAD v4.1: 4 of 1,613,770 alleles (0.00025%); highest among the groups gnomAD compares: Middle Eastern, 0.016%; no homozygotes.

Submissions (4):

Labcorp Genetics (formerly Invitae), Labcorp
Classification: Uncertain significance for Ehlers-Danlos syndrome, classic type, 1. Last evaluated: 2025-12-03. Review status: criteria provided, single submitter. Criteria: Invitae Variant Classification Sherloc (09022015). Collection method: clinical testing. Allele origin: germline.
Comment: This sequence change replaces proline, which is neutral and non-polar, with threonine, which is neutral and polar, at codon 947 of the COL5A2 protein (p.Pro947Thr). This variant is present in population databases (no rsID available, gnomAD 0.007%). This variant has not been reported in the literature in individuals affected with COL5A2-related conditions. ClinVar contains an entry for this variant (Variation ID: 393071). Invitae Evidence Modeling of protein sequence and biophysical properties (such as structural, functional, and spatial information, amino acid conservation, physicochemical variation, residue mobility, and thermodynamic stability) indicates that this missense variant is not expected to disrupt COL5A2 protein function with a negative predictive value of 80%. In summary, the available evidence is currently insufficient to determine the role of this variant in disease. Therefore, it has been classified as a Variant of Uncertain Significance.

Ambry Genetics
Classification: Uncertain significance for Familial thoracic aortic aneurysm and aortic dissection. Last evaluated: 2024-03-11. Review status: criteria provided, single submitter. Criteria: Ambry Variant Classification Scheme 2023. Collection method: clinical testing. Allele origin: germline.
Comment: The p.P947T variant (also known as c.2839C>A), located in coding exon 42 of the COL5A2 gene, results from a C to A substitution at nucleotide position 2839. The proline at codon 947 is replaced by threonine, an amino acid with highly similar properties. This amino acid position is not well conserved in available vertebrate species. In addition, the in silico prediction for this alteration is inconclusive. Based on the available evidence, the clinical significance of this alteration remains unclear.

Mayo Clinic Laboratories, Mayo Clinic
Classification: Uncertain significance. Last evaluated: 2023-09-06. Review status: criteria provided, single submitter. Criteria: ACMG Guidelines, 2015. Collection method: clinical testing. Allele origin: germline. Observed: 1 variant allele.
Comment: PM2

GeneDx
Classification: Uncertain significance. Last evaluated: 2018-11-24. Review status: criteria provided, single submitter. Criteria: GeneDx Variant Classification (06012015). Collection method: clinical testing. Allele origin: germline. Affected: yes.
Comment: The P947T variant of uncertain significance in the COL5A2 gene has not been published as pathogenic or been reported as benign to our knowledge. P947T is not observed in large population cohorts (Lek et al., 2016; 1000 Genomes Consortium et al., 2015; Exome Variant Server). The P947T variant is a non-conservative amino acid substitution, which is likely to impact secondary protein structure as these residues differ in polarity, charge, size and/or other properties. Moreover, this substitution occurs at a position that is conserved in mammals. Nevertheless, in silico analysis is inconsistent in its predictions as to whether or not the variant is damaging to the protein structure/function. Furthermore, P947T does not affect a Glycine residue in a Gly-X-Y motif in the triple helical region of the COL5A2 gene, where the majority of pathogenic missense variants occur (Stenson et al., 2014; Symoens et al., 2012). However, in contrast to several other collagen genes, relatively few pathogenic Glycine substitutions have been reported in COL5A2 in association with EDS. Most pathogenic variants in COL5A2 are in-frame splice site changes that cause exon skipping (Symoens et al., 2012).